The following is an entry in ClinVar:

NM_001797.4(CDH11):c.1381G>T (p.Ala461Ser)

Gene: CDH11 (cadherin 11; minus strand). Cytogenetic location: 16q21.
Variant type: single nucleotide variant.
Coding change: c.1381G>T on transcript NM_001797.4 (MANE Select); coding-DNA position 1381, G replaced by T.
Protein change: p.Ala461Ser; replaces alanine 461 with serine.
Molecular consequence: missense variant.
Genome position (GRCh38, 1-based): chr16:64,972,913, C>A on the plus strand (G>T on the coding strand, the complement: CDH11 is on the minus strand). VCF-style: chr16-64972913-C-A. GRCh37 (hg19) VCF-style: chr16-65006816-C-A.
Other names: c.1381G>T, p.Ala461Ser (NM_001308392.2); c.1003G>T, p.Ala335Ser (NM_001330576.2); short protein forms A335S, A461S.
Identifiers: ClinVar variation 3900935 (VCV003900935.1).

ClinVar aggregate classification (germline): Uncertain significance (1 of 4 stars; one submission).

Submission:

GeneDx
Classification: Uncertain significance. Last evaluated: 2024-11-27. Review status: criteria provided, single submitter. Criteria: GeneDx Variant Classification Process June 2021. Collection method: clinical testing. Allele origin: germline. Affected: yes.
Comment: Not observed at significant frequency in large population cohorts (gnomAD); In silico analysis indicates that this missense variant does not alter protein structure/function; Has not been previously published as pathogenic or benign to our knowledge